The following is an entry in ClinVar:

NM_020381.4(PDSS2):c.1194T>G (p.Phe398Leu)

Gene: PDSS2 (decaprenyl diphosphate synthase subunit 2; minus strand). Cytogenetic location: 6q21.
Variant type: single nucleotide variant.
Coding change: c.1194T>G on transcript NM_020381.4 (MANE Select); coding-DNA position 1194, T replaced by G.
Protein change: p.Phe398Leu; replaces phenylalanine 398 with leucine.
Molecular consequence: missense variant.
Genome position (GRCh38, 1-based): chr6:107,154,625, A>C on the plus strand (T>G on the coding strand, the complement: PDSS2 is on the minus strand). VCF-style: chr6-107154625-A-C. GRCh37 (hg19) VCF-style: chr6-107475829-A-C.
Other names: short protein forms F398L.
Identifiers: ClinVar variation 1254268 (VCV001254268.6), dbSNP rs74325037, ClinGen allele CA3945887.

ClinVar aggregate classification (germline): Uncertain significance. Review status: criteria provided, multiple submitters, no conflicts (2 of 4 stars). 2 submissions from 2 submitters: Uncertain significance (2). Last evaluated 2024-04-17.

Allele frequency attached by ClinVar (database versions not stated): TOPMed 0.00003; gnomAD 0.00004 and 0.00008; gnomAD exomes 0.00009 and 0.00013; ExAC 0.00011; 1000 Genomes Project 30x 0.00062; 1000 Genomes Project 0.00080.
gnomAD v4.1: 198 of 1,614,144 alleles (0.012%); highest among the groups gnomAD compares: East Asian, 0.42%; 1 homozygote.

Submissions (2):

GeneDx
Classification: Uncertain significance. Last evaluated: 2024-04-17. Review status: criteria provided, single submitter. Criteria: GeneDx Variant Classification Process June 2021. Collection method: clinical testing. Allele origin: germline. Affected: yes.
Comment: In silico analysis supports that this missense variant does not alter protein structure/function; Identified heterozygous in an individual from a cohort of patients with sudden unexpected death in infancy (PMID: 34728707); This variant is associated with the following publications: (PMID: 34728707)

Labcorp Genetics (formerly Invitae), Labcorp
Classification: Uncertain significance. Last evaluated: 2022-09-01. Review status: criteria provided, single submitter. Criteria: Invitae Variant Classification Sherloc (09022015). Collection method: clinical testing. Allele origin: germline.
Comment: This sequence change replaces phenylalanine, which is neutral and non-polar, with leucine, which is neutral and non-polar, at codon 398 of the PDSS2 protein (p.Phe398Leu). This variant is present in population databases (rs74325037, gnomAD 0.1%). This variant has not been reported in the literature in individuals affected with PDSS2-related conditions. ClinVar contains an entry for this variant (Variation ID: 1254268). Algorithms developed to predict the effect of missense changes on protein structure and function are either unavailable or do not agree on the potential impact of this missense change (SIFT: "Tolerated"; PolyPhen-2: "Possibly Damaging"; Align-GVGD: "Class C0"). In summary, the available evidence is currently insufficient to determine the role of this variant in disease. Therefore, it has been classified as a Variant of Uncertain Significance.